The following is an entry in ClinVar:

NM_033068.3(ACP4):c.435del (p.Val146fs)

Gene: ACP4 (acid phosphatase 4; plus strand). Cytogenetic location: 19q13.33.
Variant type: Deletion.
Coding change: c.435del on transcript NM_033068.3 (MANE Select); coding-DNA position 435, one base deleted (C; older notation c.435delC).
Protein change: p.Val146fs; shifts the reading frame from valine 146.
Molecular consequence: frameshift variant.
Genome position (GRCh38, 1-based): chr19:50,791,787, C deleted; the last of 3 consecutive C bases (chr19:50,791,785-50,791,787); deleting any one gives the same sequence. VCF-style (leftmost placement, unchanged base first): chr19-50791784-GC-G. GRCh37 (hg19) VCF-style: chr19-51295041-GC-G.
Other names: c.433delC (NM_033068.3); short protein forms V146fs.
Identifiers: ClinVar variation 4687881 (VCV004687881.1).

ClinVar aggregate classification (germline): Pathogenic (1 of 4 stars; one submission).

Conditions:
Amelogenesis imperfecta, type 1J (AI1J). Also called: Amelogenesis imperfecta, type IJ. Identifiers: MedGen C4310630, MONDO:0015008, OMIM 617297.

Submission:

Leeds Amelogenesis Imperfecta Research Group, University of Leeds
Classification: Pathogenic for Amelogenesis imperfecta, type 1J. Last evaluated: 2026-01-22. Review status: criteria provided, single submitter. Criteria: ACMG Guidelines, 2015. Collection method: research. Allele origin: paternal. Inheritance: Autosomal recessive inheritance. Affected: yes. Observed: 1 compound heterozygote. Segregation with disease observed.
Comment: The NM_033068.3 c.433delC is a frameshift variant in ACP4 predicted to result in premature termination and nonsense mediated decay p.(Val146Trpfs*7). Variants in ACP4 have been previously identified in individuals with amelogenesis imperfecta and published as the cause of disease, with this variant and the same family having been reported by Hany et al. 2023 PMID:40741335. This variant has been identified in 1 family of Costa Rican heritage in this study with hypoplastic amelogenesis imperfecta. This variant is not reported in gnomAD (PM2). CADD (v1.7) analysis showed this variant to have a score of 29 (20 indicates that the variant is in the top 1% of most deleterious variants of the genome, 30 indicates that it is in the top 0.1%). Aggregated score on Franklin shows this variant’s score to be Pathogenic very strong (PVS1) In summary, this variant meets criteria to be classified as pathogenic for amelogenesis imperfecta based on the ACMG/AMP criteria applied, as specified: PP1, PM3, PVS1, PM2.

Literature cited by the submitters: PubMed 40741335.